The following is an entry in ClinVar:

NM_015272.5(RPGRIP1L):c.3690G>A (p.Met1230Ile)

Gene: RPGRIP1L (RPGRIP1 like; minus strand). Cytogenetic location: 16q12.2.
Variant type: single nucleotide variant.
Coding change: c.3690G>A on transcript NM_015272.5 (MANE Select); coding-DNA position 3690, G replaced by A.
Protein change: p.Met1230Ile; replaces methionine 1230 with isoleucine.
Molecular consequence: missense variant.
Genome position (GRCh38, 1-based): chr16:53,610,978, C>T on the plus strand (G>A on the coding strand, the complement: RPGRIP1L is on the minus strand). VCF-style: chr16-53610978-C-T. GRCh37 (hg19) VCF-style: chr16-53644890-C-T.
Other names: c.3450G>A, p.Met1150Ile (NM_001127897.4); c.3552G>A, p.Met1184Ile (NM_001308334.3); c.3588G>A, p.Met1196Ile (NM_001330538.2); c.3690G>A (NM_015272.4); short protein forms M1150I, M1184I, M1230I, M1196I.
Identifiers: ClinVar variation 843885 (VCV000843885.15), dbSNP rs141838831, ClinGen allele CA8057219.
Genomic context (GRCh38, chr16:53,610,978, plus strand): 5'-AGATCTACTTTATGTAAACCATTAGATTATTTGGACTGCCAAAACATACCTTCTATTAGG[C>T]ATCTCTTGTTTTTGTAGTATAGCTTTTAAGATGTCTCTCTTTGCTTTGTTGTTTTCTTTA-3'
Protein context (NP_056087.2, residues 1220-1240): ILKAILQKQE[Met1230Ile]PNRSLRFTVV

ClinVar aggregate classification (germline): Conflicting classifications of pathogenicity. Review status: criteria provided, conflicting classifications (1 of 4 stars). 7 submissions from 7 submitters: Uncertain significance (5); Likely benign (1). 1 of the submissions does not count toward it. Last evaluated 2026-08-04.

Conditions:
Meckel-Gruber syndrome. Also called: GRUBER SYNDROME; DYSENCEPHALIA SPLANCHNOCYSTICA; Dysencephalia splachnocystica. Identifiers: Orphanet 564, MedGen C0265215, MONDO:0018921.
Joubert syndrome. Also called: Familial aplasia of the vermis; JOUBERT-BOLTSHAUSER SYNDROME. Identifiers: Orphanet 475, MedGen C5979921, MONDO:0018772.
Meckel syndrome, type 5 (MKS5). Identifiers: Orphanet 564, MedGen C1969052, MONDO:0012695, OMIM 611561.
COACH syndrome 3. Identifiers: MedGen C5436841, MONDO:0030862, OMIM 619113.
Joubert syndrome 7 (JBTS7). Identifiers: Orphanet 220497, MedGen C1969053, MONDO:0012694, OMIM 611560.
RPGRIP1L-related disorder. Also called: RPGRIP1L-related disorders; RPGRIP1L-related condition. Identifiers: MedGen CN239416.
Inborn genetic diseases. Identifiers: MedGen C0950123, MeSH D030342.

Allele frequency attached by ClinVar (database versions not stated): TOPMed 0.00014; gnomAD exomes 0.00018 and 0.00028; ExAC 0.00025; ESP Exome Variant Server 0.00031; gnomAD 0.00013 and 0.00014.

Submissions (7):

PreventionGenetics, part of Exact Sciences
Classification: Uncertain significance for RPGRIP1L-related condition. Last evaluated: 2026-08-04. Review status: criteria provided, single submitter. Criteria: ACMG Guidelines, 2015. Collection method: clinical testing. Allele origin: germline.
Comment: The RPGRIP1L c.3690G>A variant is predicted to result in the amino acid substitution p.Met1230Ile. To our knowledge, this variant has not been reported in the literature. This variant is reported in 0.033% of alleles in individuals of European (Non-Finnish) descent in gnomAD. At this time, the clinical significance of this variant is uncertain due to the absence of conclusive functional and genetic evidence.

Blueprint Genetics
Classification: Likely benign. Last evaluated: 2024-11-21. Review status: criteria provided, single submitter. Criteria: ACMG Guidelines, 2015. Collection method: clinical testing. Allele origin: germline.

Fulgent Genetics
Classification: Uncertain significance for Joubert syndrome 7; Meckel syndrome, type 5; COACH syndrome 3. Last evaluated: 2024-04-02. Review status: criteria provided, single submitter. Criteria: ACMG Guidelines, 2015. Collection method: clinical testing. Allele origin: germline.

Labcorp Genetics (formerly Invitae), Labcorp
Classification: Uncertain significance for Joubert syndrome; Meckel-Gruber syndrome. Last evaluated: 2022-10-05. Review status: criteria provided, single submitter. Criteria: Invitae Variant Classification Sherloc (09022015). Collection method: clinical testing. Allele origin: germline.
Comment: This sequence change replaces methionine, which is neutral and non-polar, with isoleucine, which is neutral and non-polar, at codon 1230 of the RPGRIP1L protein (p.Met1230Ile). This variant is present in population databases (rs141838831, gnomAD 0.03%). This variant has not been reported in the literature in individuals affected with RPGRIP1L-related conditions. ClinVar contains an entry for this variant (Variation ID: 843885). Advanced modeling of protein sequence and biophysical properties (such as structural, functional, and spatial information, amino acid conservation, physicochemical variation, residue mobility, and thermodynamic stability) performed at Invitae indicates that this missense variant is not expected to disrupt RPGRIP1L protein function. In summary, the available evidence is currently insufficient to determine the role of this variant in disease. Therefore, it has been classified as a Variant of Uncertain Significance.

Ambry Genetics
Classification: Uncertain significance for Inborn genetic diseases. Last evaluated: 2022-05-09. Review status: criteria provided, single submitter. Criteria: Ambry Variant Classification Scheme 2023. Collection method: clinical testing. Allele origin: germline.

GeneDx
Classification: Uncertain significance. Last evaluated: 2021-10-06. Review status: criteria provided, single submitter. Criteria: GeneDx Variant Classification Process June 2021. Collection method: clinical testing. Allele origin: germline. Affected: yes.
Comment: In silico analysis supports that this missense variant does not alter protein structure/function; Has not been previously published as pathogenic or benign to our knowledge

Natera, Inc.
Classification: Uncertain significance for Joubert syndrome. Last evaluated: 2020-01-24. Review status: no assertion criteria provided. Collection method: clinical testing. Allele origin: germline. Not counted in ClinVar's aggregate classification.